The following is an entry in ClinVar:

NM_000276.4(OCRL):c.2150T>G (p.Leu717Arg)

Gene: OCRL (OCRL inositol polyphosphate-5-phosphatase; plus strand). Cytogenetic location: Xq26.1.
Variant type: single nucleotide variant.
Coding change: c.2150T>G on transcript NM_000276.4 (MANE Select); coding-DNA position 2150, T replaced by G.
Protein change: p.Leu717Arg; replaces leucine 717 with arginine.
Molecular consequence: missense variant.
Genome position (GRCh38, 1-based): chrX:129,587,012, T>G. VCF-style: chrX-129587012-T-G. GRCh37 (hg19) VCF-style: chrX-128720989-T-G.
Other names: c.2153T>G, p.Leu718Arg (NM_001318784.2); c.2126T>G, p.Leu709Arg (NM_001587.4); short protein forms L709R, L717R, L718R.
Identifiers: ClinVar variation 2663006 (VCV002663006.1), dbSNP rs2521942975, ClinGen allele CA414627166.
Genomic context (GRCh38, chrX:129,587,012, plus strand): 5'-AAGTCTTTATTCTGAGACCCCTTTGATTCTCATACTTTTCCATCTATTAGGAGAAATCCC[T>G]TCTGCAAATGGTTCCTTTGGATGAAGGTGCCAGTGAGAGACCCCTTCAGGTTCCCAAGGA-3'
Protein context (NP_000267.2, residues 707-727): EDSFLEKEKS[Leu717Arg]LQMVPLDEGA

ClinVar aggregate classification (germline): Uncertain significance (1 of 4 stars; one submission).

Submission:

GeneDx
Classification: Uncertain significance. Last evaluated: 2023-05-10. Review status: criteria provided, single submitter. Criteria: GeneDx Variant Classification Process June 2021. Collection method: clinical testing. Allele origin: germline. Affected: yes.
Comment: Not observed at significant frequency in large population cohorts (gnomAD); In silico analysis supports that this missense variant does not alter protein structure/function; Has not been previously published as pathogenic or benign to our knowledge